The following is an entry in ClinVar:

NM_001320.7(CSNK2B):c.581C>T (p.Pro194Leu)

Gene: CSNK2B (casein kinase 2 beta; plus strand). Cytogenetic location: 6p21.33.
Variant type: single nucleotide variant.
Coding change: c.581C>T on transcript NM_001320.7 (MANE Select); coding-DNA position 581, C replaced by T.
Protein change: p.Pro194Leu; replaces proline 194 with leucine.
Molecular consequence: missense variant.
Genome position (GRCh38, 1-based): chr6:31,669,859, C>T. VCF-style: chr6-31669859-C-T. GRCh37 (hg19) VCF-style: chr6-31637636-C-T.
Other names: c.572C>T, p.Pro191Leu (NM_001282385.2); short protein forms P191L, P194L.
Identifiers: ClinVar variation 2584818 (VCV002584818.1), dbSNP rs1246917499, ClinGen allele CA363479661.

ClinVar aggregate classification (germline): Uncertain significance (1 of 4 stars; one submission).

Conditions:
Poirier-Bienvenu neurodevelopmental syndrome (POBINDS). Identifiers: Orphanet 689397, MedGen C5231482, MONDO:0032889, OMIM 618732.

Allele frequency attached by ClinVar (database versions not stated): gnomAD exomes below 0.00001; TOPMed below 0.00001; gnomAD 0.00001.

Submission:

Neuberg Centre For Genomic Medicine, NCGM
Classification: Uncertain significance for Poirier-Bienvenu neurodevelopmental syndrome. Review status: criteria provided, single submitter. Criteria: ACMG Guidelines, 2015. Collection method: clinical testing. Allele origin: germline. Inheritance: Autosomal dominant inheritance. Affected: yes.
Comment: The missense variant in c.463T>G in BRWD3 gene has not been reported previously as a pathogenic variant nor as a benign variant, to our knowledge. The p.Pro194Leu variant is novel (not in any individuals) in gnomAD Exomes and 1000 Genomes. The amino acid change p.Pro194Leu in CSNK2B is predicted as conserved by GERP++ and PhyloP across 100 vertebrates. The amino acid Pro at position 194 is changed to a Leu changing protein sequence and it might alter its composition and physico-chemical properties. For these reasons, this variant has been classified as Uncertain Significance (VUS).